The following is an entry in ClinVar:

NM_000548.5(TSC2):c.3546C>T (p.Asn1182=)

Gene: TSC2 (TSC complex subunit 2; plus strand). Cytogenetic location: 16p13.3.
Variant type: single nucleotide variant.
Coding change: c.3546C>T on transcript NM_000548.5 (MANE Select); coding-DNA position 3546, C replaced by T.
Protein change: p.Asn1182=; no amino-acid change (asparagine 1182 retained).
Molecular consequence: synonymous variant. On other transcripts: non-coding transcript variant (5).
Genome position (GRCh38, 1-based): chr16:2,080,313, C>T. VCF-style: chr16-2080313-C-T. GRCh37 (hg19) VCF-style: chr16-2130314-C-T.
Other names: c.3306C>T, p.Asn1102= (NM_001318827.2); c.3270C>T, p.Asn1090= (NM_001318829.2); c.2814C>T, p.Asn938= (NM_001318831.2, NM_001406687.1, NM_001406688.1); c.3447C>T, p.Asn1149= (NM_001318832.2); c.3414C>T, p.Asn1138= (NM_001077183.3, NM_001370404.1, NM_001406665.1); c.3546C>T, p.Asn1182= (NM_001114382.3); c.3417C>T, p.Asn1139= (NM_001363528.2, NM_001370405.1, NM_021055.3); c.3543C>T, p.Asn1181= (NM_001406663.1, NM_001406664.1); and 18 more.
Identifiers: ClinVar variation 2091281 (VCV002091281.6), dbSNP rs2151460683, ClinGen allele CA493043053.
Genomic context (GRCh38, chr16:2,080,313, plus strand): 5'-AGCCGCGAAACCTGAGAAGGCCTCAGCTGGCACCCGGGTTCCTGTGCAGGAGAAGACGAA[C>T]CTGGCGGCCTATGTGCCCCTGCTGACCCAGGGCTGGGCGGAGATCCTGGTCCGGAGGCCC-3'
Protein context (NP_000539.2, residues 1172-1192): GTRVPVQEKT[Asn1182=]LAAYVPLLTQ

ClinVar aggregate classification (germline): Benign/Likely benign. Review status: criteria provided, multiple submitters, no conflicts (2 of 4 stars). 3 submissions from 3 submitters: Benign (1); Likely benign (2). Last evaluated 2025-05-29.

Conditions:
Tuberous sclerosis syndrome (TSC). Also called: Tuberous sclerosis; Tuberous Sclerosis Complex. Identifiers: Orphanet 805, MedGen C0041341, MONDO:0001734.
Tuberous sclerosis 2 (TSC2). Identifiers: Orphanet 805, MedGen C1860707, MONDO:0013199, OMIM 613254.

gnomAD v4.1: 2 of 1,612,880 alleles (0.00012%); highest among the groups gnomAD compares: Non-Finnish European, 0.000085%; no homozygotes.

Submissions (3):

Myriad Genetics, Inc.
Classification: Benign for Tuberous sclerosis 2. Last evaluated: 2025-05-29. Review status: criteria provided, single submitter. Criteria: Myriad Autosomal Dominant, Autosomal Recessive and X-Linked Classification Criteria (2023). Collection method: clinical testing. Allele origin: unknown.
Comment: This variant is considered benign. This variant is a silent/synonymous amino acid change and it is not expected to impact splicing.

Labcorp Genetics (formerly Invitae), Labcorp
Classification: Likely benign for Tuberous sclerosis 2. Last evaluated: 2024-03-28. Review status: criteria provided, single submitter. Criteria: Invitae Variant Classification Sherloc (09022015). Collection method: clinical testing. Allele origin: germline.

All of Us Research Program, National Institutes of Health
Classification: Likely benign for Tuberous sclerosis syndrome. Last evaluated: 2023-08-08. Review status: criteria provided, single submitter. Criteria: ACMG Guidelines, 2015. Collection method: clinical testing. Allele origin: germline. Inheritance: Autosomal dominant inheritance. Observed: 1 variant allele, 1 heterozygote.
Comment: This study involves interpretation of variants in research participants for the purpose of population health screening. Participant phenotype was not available at the time of variant classification. Additional details can be found in publication PMID: 35346344, PMCID: PMC8962531